The following is an entry in ClinVar:

ClinVar aggregate classification (germline): Likely benign (1 of 4 stars; one submission).

Allele frequency attached by ClinVar (database versions not stated): gnomAD 0.03106 and 0.03253; TOPMed 0.03594; 1000 Genomes Project 0.05212; 1000 Genomes Project 30x 0.05215.
gnomAD v4.1: 4,917 of 152,080 alleles (3.2%); highest among the groups gnomAD compares: East Asian, 11%; 151 homozygotes.

Submission:

GeneDx
Classification: Likely benign. Last evaluated: 2018-06-16. Review status: criteria provided, single submitter. Criteria: GeneDx Variant Classification (06012015). Collection method: clinical testing. Allele origin: germline. Affected: yes.
Comment: This variant is considered likely benign or benign based on one or more of the following criteria: it is a conservative change, it occurs at a poorly conserved position in the protein, it is predicted to be benign by multiple in silico algorithms, and/or has population frequency not consistent with disease.

NM_000540.3(RYR1):c.12625-295C>T

Gene: RYR1 (ryanodine receptor 1; plus strand). Cytogenetic location: 19q13.2.
Variant type: single nucleotide variant.
Coding change: c.12625-295C>T on transcript NM_000540.3 (MANE Select); 295 bases into the intron before coding-DNA position 12625, C replaced by T.
Molecular consequence: intron variant.
Genome position (GRCh38, 1-based): chr19:38,564,664, C>T. VCF-style: chr19-38564664-C-T. GRCh37 (hg19) VCF-style: chr19-39055304-C-T.
Other names: c.12610-295C>T (NM_001042723.2).
Identifiers: ClinVar variation 681008 (VCV000681008.1), dbSNP rs10415792, ClinGen allele CA308108681.